The following is an entry in ClinVar:

ClinVar aggregate classification (germline): Benign. Review status: criteria provided, multiple submitters, no conflicts (2 of 4 stars). 12 submissions from 10 submitters: Benign (9). 3 of the submissions do not count toward it. Last evaluated 2026-02-04.

Conditions:
Autosomal dominant hypocalcemia 1 (HYPOC1). Also called: HYPOCALCEMIA, FAMILIAL. Identifiers: MedGen C3715128, MONDO:0011013, OMIM 601198.
Familial hypocalciuric hypercalcemia (FHH). Also called: Familial benign hypercalcemia. Identifiers: Orphanet 405, MedGen C1809471, MONDO:0018458.
Familial hypocalciuric hypercalcemia 1. Also called: Hypercalcemia, familial benign type 1. Identifiers: Orphanet 405, Orphanet 93372, MedGen C0342637, MONDO:0007791, OMIM 145980.
Neonatal severe primary hyperparathyroidism. Identifiers: Orphanet 417, MedGen C1832615, MONDO:0009397, OMIM 239200.

Allele frequency attached by ClinVar (database versions not stated): gnomAD 0.91749 and 0.92120; ESP Exome Variant Server 0.91781; TOPMed 0.92263; 1000 Genomes Project 0.92412; 1000 Genomes Project 30x 0.92505; ExAC 0.94462; gnomAD exomes 0.95002 and 0.95596.
gnomAD v4.1: 1,537,866 of 1,614,136 alleles (95%); highest among the groups gnomAD compares: East Asian, 98%; 733,487 homozygotes.

Submissions (12):

Labcorp Genetics (formerly Invitae), Labcorp
Classification: Benign for Familial hypocalciuric hypercalcemia; Autosomal dominant hypocalcemia 1. Last evaluated: 2026-02-04. Review status: criteria provided, single submitter. Criteria: Invitae Variant Classification Sherloc (09022015). Collection method: clinical testing. Allele origin: germline.

Mayo Clinic Laboratories, Mayo Clinic
Classification: Benign. Last evaluated: 2025-07-22. Review status: criteria provided, single submitter. Criteria: ACMG Guidelines, 2015. Collection method: clinical testing. Allele origin: germline. Observed: 1,277 variant alleles.
Comment: BA1, BS2, BP4

Blueprint Genetics
Classification: Benign. Last evaluated: 2024-11-26. Review status: criteria provided, single submitter. Criteria: ACMG Guidelines, 2015. Collection method: clinical testing. Allele origin: germline.

Genome-Nilou Lab
Classification: Benign for Neonatal severe primary hyperparathyroidism. Last evaluated: 2021-07-14. Review status: criteria provided, single submitter. Criteria: ACMG Guidelines, 2015. Collection method: clinical testing. Allele origin: germline. Affected: no.

Genome-Nilou Lab
Classification: Benign for Autosomal dominant hypocalcemia 1. Last evaluated: 2021-07-14. Review status: criteria provided, single submitter. Criteria: ACMG Guidelines, 2015. Collection method: clinical testing. Allele origin: germline. Affected: no.

Genome-Nilou Lab
Classification: Benign for Familial hypocalciuric hypercalcemia 1. Last evaluated: 2021-07-14. Review status: criteria provided, single submitter. Criteria: ACMG Guidelines, 2015. Collection method: clinical testing. Allele origin: germline. Affected: no.

Laboratory for Molecular Medicine, Mass General Brigham Personalized Medicine
Classification: Benign. Last evaluated: 2016-03-21. Review status: criteria provided, single submitter. Criteria: LMM Criteria. Collection method: clinical testing. Allele origin: germline. Observed: 1 variant allele.
Comment: p.Glu1021Gln in exon 7 of CASR: This variant is not expected to have clinical si gnificance because it has been identified in 98.35% (8507/8650) of East Asian ch romosomes by the Exome Aggregation Consortium (ExAC. org; dbSNP rs1801726).

Eurofins Ntd Llc (ga)
Classification: Benign. Last evaluated: 2013-08-22. Review status: criteria provided, single submitter. Criteria: EGL Classification Definitions 2015. Collection method: clinical testing. Allele origin: germline. Observed: 3 variant alleles, 3 homozygotes.

Breakthrough Genomics
Classification: Benign. Review status: criteria provided, single submitter. Criteria: ACMG Guidelines, 2015. Collection method: not provided. Allele origin: germline. Inheritance: Autosomal recessive inheritance. Affected: yes.

Diagnostic Laboratory, Department of Genetics, University Medical Center Groningen
Classification: Benign. Review status: no assertion criteria provided. Collection method: clinical testing. Allele origin: germline. Affected: yes. Study: VKGL Data-share Consensus. Not counted in ClinVar's aggregate classification.

Genome Diagnostics Laboratory, University Medical Center Utrecht
Classification: Benign. Review status: no assertion criteria provided. Collection method: clinical testing. Allele origin: germline. Affected: yes. Study: VKGL Data-share Consensus. Not counted in ClinVar's aggregate classification.

Joint Genome Diagnostic Labs from Nijmegen and Maastricht, Radboudumc and MUMC+
Classification: Likely benign. Review status: no assertion criteria provided. Collection method: clinical testing. Allele origin: germline. Affected: yes. Study: VKGL Data-share Consensus. Not counted in ClinVar's aggregate classification.

NM_000388.4(CASR):c.3031G>C (p.Glu1011Gln)

Gene: CASR (calcium sensing receptor; plus strand). Cytogenetic location: 3q21.1.
Variant type: single nucleotide variant.
Coding change: c.3031G>C on transcript NM_000388.4 (MANE Select); coding-DNA position 3031, G replaced by C.
Protein change: p.Glu1011Gln; replaces glutamic acid 1011 with glutamine.
Molecular consequence: missense variant.
Genome position (GRCh38, 1-based): chr3:122,284,985, G>C. VCF-style: chr3-122284985-G-C. GRCh37 (hg19) VCF-style: chr3-122003832-G-C.
Other names: c.3061G>C, p.Glu1021Gln (NM_001178065.2); short protein forms E1011Q, E1021Q.
Identifiers: ClinVar variation 166799 (VCV000166799.26), dbSNP rs1801726, ClinGen allele CA179846.